The following is an entry in ClinVar:

ClinVar aggregate classification (germline): Uncertain significance. Review status: criteria provided, multiple submitters, no conflicts (2 of 4 stars). 2 submissions from 2 submitters: Uncertain significance (2). Last evaluated 2026-04-14.

Conditions:
Inborn genetic diseases. Identifiers: MedGen C0950123, MeSH D030342.

gnomAD v4.1: 18 of 1,613,470 alleles (0.0011%); highest among the groups gnomAD compares: South Asian, 0.014%; no homozygotes.

Submissions (2):

GeneDx
Classification: Uncertain significance. Last evaluated: 2026-04-14. Review status: criteria provided, single submitter. Criteria: GeneDx Variant Classification Process June 2021. Collection method: clinical testing. Allele origin: germline.
Comment: In silico analysis suggests that this missense variant does not alter protein structure/function; Has not been previously published as pathogenic or benign to our knowledge

Ambry Genetics
Classification: Uncertain significance for Inborn genetic diseases. Last evaluated: 2023-09-14. Review status: criteria provided, single submitter. Criteria: Ambry Variant Classification Scheme 2023. Collection method: clinical testing. Allele origin: germline.

NM_206926.2(SELENON):c.313G>T (p.Ala105Ser)

Gene: SELENON (selenoprotein N; plus strand). Cytogenetic location: 1p36.11.
Variant type: single nucleotide variant.
Coding change: c.313G>T on transcript NM_206926.2 (MANE Select); coding-DNA position 313, G replaced by T.
Protein change: p.Ala105Ser; replaces alanine 105 with serine.
Molecular consequence: missense variant.
Genome position (GRCh38, 1-based): chr1:25,805,153, G>T. VCF-style: chr1-25805153-G-T. GRCh37 (hg19) VCF-style: chr1-26131644-G-T.
Other names: c.415G>T, p.Ala139Ser (NM_020451.3); short protein forms A139S, A105S.
Identifiers: ClinVar variation 2596458 (VCV002596458.3), dbSNP rs201692549, ClinGen allele CA696491.
Genomic context (GRCh38, chr1:25,805,153, plus strand): 5'-GAGCCCTGTAGCATAAGGGCAGTGCCTCTCCGATGTCTGTGTCTCATAGGGTCAACTCCC[G>T]CGGCCAGCTGCGAGGAGGAGGAGTTGCCCCCTGACCCTAGCGAGGAGACGCTCACCATAG-3'
Protein context (NP_996809.1, residues 95-115): IAEKLTGSTP[Ala105Ser]ASCEEEELPP